The following is an entry in ClinVar:

ClinVar aggregate classification (germline): Likely pathogenic (1 of 4 stars; one submission).

Conditions:
Fetal anomalies with a likely genetic cause.

Submission:

Genetics Laboratory, Great Ormond Street Hospital NHS Foundation Trust, North Thames Genomic Laboratory Hub
Classification: Likely pathogenic for Fetal anomalies with a likely genetic cause. Last evaluated: 2026-03-27. Review status: criteria provided, single submitter. Criteria: ACGS Best Practice Guidelines for Variant Classification in Rare Disease 2024 v1.2. Collection method: clinical testing. Allele origin: germline. Affected: yes.
Comment: PM2_moderate, PVS1_strong

NM_006907.4(PYCR1):c.799G>T (p.Glu267Ter)

Gene: PYCR1 (pyrroline-5-carboxylate reductase 1; minus strand). Cytogenetic location: 17q25.3.
Variant type: single nucleotide variant.
Coding change: c.799G>T on transcript NM_006907.4 (MANE Select); coding-DNA position 799, G replaced by T.
Protein change: p.Glu267Ter; replaces glutamic acid 267 with a stop codon.
Molecular consequence: nonsense. On other transcripts: missense variant (1).
Genome position (GRCh38, 1-based): chr17:81,933,375, C>A on the plus strand (G>T on the coding strand, the complement: PYCR1 is on the minus strand). VCF-style: chr17-81933375-C-A. GRCh37 (hg19) VCF-style: chr17-79891251-C-A.
Other names: c.706G>T, p.Glu236Ter (NM_001282279.2); c.799G>T, p.Glu267Ter (NM_001282280.2, NM_153824.3); c.880G>T, p.Glu294Ter (NM_001282281.2); c.635G>T, p.Gly212Val (NM_001330523.2); short protein forms E236*, E267*, E294*, G212V.
Identifiers: ClinVar variation 4851399 (VCV004851399.1).